The following is an entry in ClinVar:

ClinVar aggregate classification (germline): Uncertain significance (1 of 4 stars; one submission).

Conditions:
Leigh syndrome (NULS). Also called: Leigh's necrotizing encephalopathy; Leigh's disease; Leigh Syndrome (mtDNA deletion); Leigh Disease; Subacute necrotizing encephalopathy; Necrotizing encephalopathy infantile subacute of Leigh. Identifiers: Orphanet 506, MedGen C2931891, MONDO:0009723, OMIM 256000.

Submission:

Wong Mito Lab, Molecular and Human Genetics, Baylor College of Medicine
Classification: Uncertain significance for Leigh syndrome. Last evaluated: 2019-10-17. Review status: criteria provided, single submitter. Criteria: Modified ACMG Guidelines (Unpublished). Collection method: clinical testing. Allele origin: germline.
Comment: The NC_012920.1:m.9828G>A (YP_003024032.1:p.Val208Ile) variant in MTCO3 gene is interpretated to be a Uncertain Significance variant based on the modified ACMG guidelines (unpublished). This variant meets the following evidence codes: BS1

NC_012920.1(MT-CO3):m.9828G>A

Gene: MT-CO3 (mitochondrially encoded cytochrome c oxidase III; plus strand).
Variant type: single nucleotide variant.
Genome position: chrM-9828-G-A.
Identifiers: ClinVar variation 693235 (VCV000693235.1), dbSNP rs1603222521, ClinGen allele CA414803799.